The following is an entry in ClinVar:

ClinVar aggregate classification (germline): Benign/Likely benign. Review status: criteria provided, multiple submitters, no conflicts (2 of 4 stars). 21 submissions from 21 submitters: Benign (8); Likely benign (8). 5 of the submissions do not count toward it. Last evaluated 2026-02-01.

Conditions:
Classic or attenuated familial adenomatous polyposis. Identifiers: MedGen CN372698, MONDO:0021057.
APC-Associated Polyposis Disorders.
Hereditary cancer-predisposing syndrome. Also called: Tumor predisposition; Hereditary neoplastic syndrome; Neoplastic Syndromes, Hereditary; Hereditary Cancer Syndrome. Identifiers: Orphanet 140162, MedGen C0027672, MeSH D009386, MONDO:0015356.
Familial adenomatous polyposis 1 (FAP1). Also called: FAMILIAL ADENOMATOUS POLYPOSIS 1, ATTENUATED; POLYPOSIS, ADENOMATOUS INTESTINAL. Identifiers: MedGen C2713442, MONDO:0021056, OMIM 175100. Disease mechanism: loss of function.
Carcinoma of colon (CRC). Also called: Colon carcinoma; Colonic carcinoma. Identifiers: MedGen C0699790, MONDO:0002032.

Allele frequency attached by ClinVar (database versions not stated): ESP Exome Variant Server 0.00008; gnomAD 0.00009 and 0.00015; TOPMed 0.00013; gnomAD exomes 0.00025 and 0.00040; 1000 Genomes Project 0.00040; ExAC 0.00045; 1000 Genomes Project 30x 0.00062.
gnomAD v4.1: 397 of 1,614,184 alleles (0.025%); highest among the groups gnomAD compares: South Asian, 0.29%; 4 homozygotes.

Submissions (21):

CeGaT Center for Human Genetics Tuebingen
Classification: Likely benign. Last evaluated: 2026-02-01. Review status: criteria provided, single submitter. Criteria: CeGaT Center For Human Genetics Tuebingen Variant Classification Criteria Version 2. Collection method: clinical testing. Allele origin: germline. Affected: yes. Observed: 10 variant alleles.
Comment: APC: BS1

Labcorp Genetics (formerly Invitae), Labcorp
Classification: Benign for Familial adenomatous polyposis 1. Last evaluated: 2026-02-01. Review status: criteria provided, single submitter. Criteria: Invitae Variant Classification Sherloc (09022015). Collection method: clinical testing. Allele origin: germline.

Institute for Biomarker Research, Medical Diagnostic Laboratories, L.L.C.
Classification: Benign for Hereditary cancer-predisposing syndrome. Last evaluated: 2025-05-07. Review status: criteria provided, single submitter. Criteria: ACMG Guidelines, 2015. Collection method: clinical testing. Allele origin: germline.
Comment: The missense variant NM_000038.6(APC):c.2586C>G (p.Asn862Lys) has been reported to ClinVar as Benign/Likely benign with a status of (2 stars) criteria provided, multiple submitters, no conflicts (Variation ID 133517 as of 2025-04-03). There is a moderate physicochemical difference between asparagine and lysine. For these reasons, this variant has been classified as Benign.

ARUP Laboratories, Molecular Genetics and Genomics, ARUP Laboratories
Classification: Benign. Last evaluated: 2025-03-13. Review status: criteria provided, single submitter. Criteria: ARUP Molecular Germline Variant Investigation Process 2024. Collection method: clinical testing. Allele origin: germline.

Center for Genomic Medicine, Rigshospitalet, Copenhagen University Hospital
Classification: Likely benign. Last evaluated: 2025-03-04. Review status: criteria provided, single submitter. Criteria: ACMG Guidelines, 2015. Collection method: clinical testing. Allele origin: germline.

Blueprint Genetics
Classification: Likely benign. Last evaluated: 2024-11-25. Review status: criteria provided, single submitter. Criteria: ACMG Guidelines, 2015. Collection method: clinical testing. Allele origin: germline.

All of Us Research Program, National Institutes of Health
Classification: Likely benign for Classic or attenuated familial adenomatous polyposis. Last evaluated: 2024-02-05. Review status: criteria provided, single submitter. Criteria: ACMG Guidelines, 2015. Collection method: clinical testing. Allele origin: germline. Inheritance: Autosomal dominant inheritance. Observed: 34 variant alleles, 34 heterozygotes.
Comment: This study involves interpretation of variants in research participants for the purpose of population health screening. Participant phenotype was not available at the time of variant classification. Additional details can be found in publication PMID: 35346344, PMCID: PMC8962531

KCCC/NGS Laboratory, Kuwait Cancer Control Center
Classification: Benign for Familial adenomatous polyposis 1. Last evaluated: 2023-07-07. Review status: criteria provided, single submitter. Criteria: ACMG Guidelines, 2015. Collection method: clinical testing. Allele origin: germline. Affected: yes.

Myriad Genetics, Inc.
Classification: Likely benign for Familial adenomatous polyposis 1. Last evaluated: 2023-02-21. Review status: criteria provided, single submitter. Criteria: Myriad Autosomal Dominant, Autosomal Recessive and X-Linked Classification Criteria (2023). Collection method: clinical testing. Allele origin: unknown.
Comment: This variant is considered likely benign. This variant has been observed at a population frequency that is significantly greater than expected given the associated disease prevalence and penetrance.

Quest Diagnostics Nichols Institute San Juan Capistrano
Classification: Benign. Last evaluated: 2022-09-08. Review status: criteria provided, single submitter. Criteria: Quest Diagnostics criteria. Collection method: clinical testing. Allele origin: unknown.

Sema4
Classification: Benign for Hereditary cancer-predisposing syndrome. Last evaluated: 2020-11-03. Review status: criteria provided, single submitter. Criteria: Sema4 Curation Guidelines. Collection method: curation. Allele origin: germline.

GeneDx
Classification: Likely benign. Last evaluated: 2020-09-28. Review status: criteria provided, single submitter. Criteria: GeneDx Variant Classification Process June 2021. Collection method: clinical testing. Allele origin: germline. Affected: yes.
Comment: This variant is associated with the following publications: (PMID: 24728327, 25980754, 27156442, 27882345)

Ambry Genetics
Classification: Likely benign for Hereditary cancer-predisposing syndrome. Last evaluated: 2018-09-14. Review status: criteria provided, single submitter. Criteria: Ambry Variant Classification Scheme 2023. Collection method: clinical testing. Allele origin: germline.

Illumina Laboratory Services, Illumina
Classification: Benign for APC-Associated Polyposis Disorders. Last evaluated: 2018-01-12. Review status: criteria provided, single submitter. Criteria: ICSL Variant Classification Criteria 13 December 2019. Collection method: clinical testing. Allele origin: germline.
Comment: This variant was observed in the ICSL laboratory as part of a predisposition screen in an ostensibly healthy population. It had not been previously curated by ICSL or reported in the Human Gene Mutation Database (HGMD: prior to June 1st, 2018), and was therefore a candidate for classification through an automated scoring system. Utilizing variant allele frequency, disease prevalence and penetrance estimates, and inheritance mode, an automated score was calculated to assess if this variant is too frequent to cause the disease. Based on the score and internal cut-off values, a variant classified as benign is not then subjected to further curation. The score for this variant resulted in a classification of benign for this disease.

Women's Health and Genetics/Laboratory Corporation of America, LabCorp
Classification: Benign. Last evaluated: 2017-05-15. Review status: criteria provided, single submitter. Criteria: LabCorp Variant Classification Summary - May 2015. Collection method: clinical testing. Allele origin: germline.
Comment: Variant summary: The APC c.2586C>G (p.Asn862Lys) variant involves the alteration of a conserved nucleotide and 2/3 in silico tools (Mutation Taster and SNPsandGo not captured here due to low p-value and reliability index value, respectively) predict a benign outcome. However, these predictions have yet to be functionally assessed. The variant of interest was observed in the large, broad control population, ExAC, with an allele frequency of 55/121326 (1/2206), predominantly in the South Asian cohort, 44/16508 (1/375), which does exceed the estimated maximal expected allele frequency for a pathogenic APC variant of 1/14005/ Therefore, suggesting this is likely a benign polymorphism found primarily in population(s) of South Asian origin. Multiple publications have cited the variant in affected individuals, although with limited information (ie, lack of cosegregation data). In addition, multiple clinical diagnostic laboratories classified this variant as "likely benign/benign." Therefore, taking all available lines of evidence into consideration, the variant of interest has been classified as Benign.

Color Diagnostics, LLC DBA Color Health
Classification: Likely benign for Hereditary cancer-predisposing syndrome. Last evaluated: 2016-06-20. Review status: criteria provided, single submitter. Criteria: ACMG Guidelines, 2015. Collection method: clinical testing. Allele origin: germline.

Counsyl
Classification: Likely benign for Familial adenomatous polyposis 1. Last evaluated: 2018-04-05. Review status: no assertion criteria provided. Collection method: clinical testing. Allele origin: unknown. Not counted in ClinVar's aggregate classification.

ITMI
No classification provided. Condition: AllHighlyPenetrant. Last evaluated: 2013-09-19. Review status: no classification provided. Collection method: reference population. Allele origin: germline. Not counted in ClinVar's aggregate classification.
Comment: Please see associated publication for description of ethnicities

Clinical Genetics DNA and cytogenetics Diagnostics Lab, Erasmus MC, Erasmus Medical Center
Classification: Likely benign. Review status: no assertion criteria provided. Collection method: clinical testing. Allele origin: germline. Affected: yes. Study: VKGL Data-share Consensus. Not counted in ClinVar's aggregate classification.

Department of Pathology and Laboratory Medicine, Sinai Health System
Classification: Likely benign for Carcinoma of colon. Review status: no assertion criteria provided. Collection method: clinical testing. Allele origin: unknown. Affected: yes. Study: The Canadian Open Genetics Repository (COGR). Not counted in ClinVar's aggregate classification.
Comment: The APC p.Asn862Lys variant was identified in 1 of 2520 proband chromosomes (frequency: 0.0004) from individuals or families with Lynch syndrome and was present in 1 of 1362 control chromosomes (frequency: 0.0007) from healthy individuals (Bodian 2014, Yurgelun 2015). The variant was also identified in dbSNP (ID: rs147972247) as "With Likely benign allele", ClinVar (classified as benign by Invitae and Integrated Genetics/Laboratory Corporation of America; as likely benign by GeneDx, Ambry Genetics and three other submitters), Cosmic (1x in large intestine tissue), and LOVD 3.0 (1x likely benign). The variant was not identified in COGR, MutDB, UMD-LSDB, or Zhejiang University databases. The variant was identified in control databases in 103 of 276786 chromosomes at a frequency of 0.0004, increasing the likelihood this could be a low frequency benign variant (Genome Aggregation Database Feb 27, 2017). The variant was observed in the following populations: South Asian in 82 of 30778 chromosomes (freq: 0.003), Other in 3 of 6458 chromosomes (freq: 0.0005), European in 16 of 126320 chromosomes (freq: 0.0001), and Latino in 2 of 34414 chromosomes (freq: 0.00006); it was not observed in the African, Ashkenazi Jewish, East Asian, or Finnish populations. The p.Asn862 residue is not conserved in mammals and computational analyses (PolyPhen-2, SIFT, AlignGVGD, BLOSUM, MutationTaster) do not suggest a high likelihood of impact to the protein; however, this information is not predictive enough to rule out pathogenicity. The variant occurs outside of the splicing consensus sequence and 1 of 4 in silico or computational prediction software programs (SpliceSiteFinder, MaxEntScan, NNSPLICE, GeneSplicer) predict a greater than 10% difference in splicing; this is not very predictive of pathogenicity. In summary, based on the above information, the clinical significance of this variant cannot be determined with certainty at this time although we would lean towards a more benign role for this variant. This variant is classified as likely benign.

Joint Genome Diagnostic Labs from Nijmegen and Maastricht, Radboudumc and MUMC+
Classification: Likely benign. Review status: no assertion criteria provided. Collection method: clinical testing. Allele origin: germline. Affected: yes. Study: VKGL Data-share Consensus. Not counted in ClinVar's aggregate classification.

Literature cited by the submitters: PubMed 27156442 (cited by Quest Diagnostics Nichols Institute San Juan Capistrano and Ambry Genetics); PubMed 32754865 (cited by Quest Diagnostics Nichols Institute San Juan Capistrano); PubMed 24728327 (cited by 3 submitters); PubMed 25980754 (cited by 3 submitters).

NM_000038.6(APC):c.2586C>G (p.Asn862Lys)

Gene: APC (APC regulator of Wnt signaling pathway; plus strand). Cytogenetic location: 5q22.2.
Variant type: single nucleotide variant.
Coding change: c.2586C>G on transcript NM_000038.6 (MANE Select); coding-DNA position 2586, C replaced by G.
Protein change: p.Asn862Lys; replaces asparagine 862 with lysine.
Molecular consequence: missense variant.
Genome position (GRCh38, 1-based): chr5:112,838,180, C>G. VCF-style: chr5-112838180-C-G. GRCh37 (hg19) VCF-style: chr5-112173877-C-G.
Other names: p.N862K:AAC>AAG; c.2586C>G, p.Asn862Lys (NM_001127510.3, NM_001354895.2); c.2532C>G, p.Asn844Lys (NM_001127511.3); c.2640C>G, p.Asn880Lys (NM_001354896.2); c.2616C>G, p.Asn872Lys (NM_001354897.2); c.2511C>G, p.Asn837Lys (NM_001354898.2); c.2502C>G, p.Asn834Lys (NM_001354899.2); c.2463C>G, p.Asn821Lys (NM_001354900.2); and 6 more; short protein forms N844K, N862K, N736K, N821K, N872K, N579K, N761K, N771K.
Identifiers: ClinVar variation 133517 (VCV000133517.67), dbSNP rs147972247, ClinGen allele CA007614.